The following is an entry in ClinVar:

NM_021096.4(CACNA1I):c.1313T>C (p.Ile438Thr)

Gene: CACNA1I (calcium voltage-gated channel subunit alpha1 I; plus strand). Cytogenetic location: 22q13.1.
Variant type: single nucleotide variant.
Coding change: c.1313T>C on transcript NM_021096.4 (MANE Select); coding-DNA position 1313, T replaced by C.
Protein change: p.Ile438Thr; replaces isoleucine 438 with threonine.
Molecular consequence: missense variant.
Genome position (GRCh38, 1-based): chr22:39,646,732, T>C. VCF-style: chr22-39646732-T-C. GRCh37 (hg19) VCF-style: chr22-40042737-T-C.
Other names: c.1313T>C, p.Ile438Thr (NM_001003406.2); short protein forms I438T.
Identifiers: ClinVar variation 2653153 (VCV002653153.24), dbSNP rs201769752, ClinGen allele CA10243815.
Genomic context (GRCh38, chr22:39,646,732, plus strand): 5'-GCTACCTGTCCTCCAGCACGGTGGCCAGCTACGCCGAGCCTGGCGACTGCTACGAGGAGA[T>C]CTTCCAGTATGTCTGCCACATCCTGCGCAAGGCCAAGCGCCGCGCCCTGGGCCTCTACCA-3'
Protein context (NP_066919.2, residues 428-448): YAEPGDCYEE[Ile438Thr]FQYVCHILRK

ClinVar aggregate classification (germline): Uncertain significance (1 of 4 stars; one submission).

Allele frequency attached by ClinVar (database versions not stated): ESP Exome Variant Server 0.00016; gnomAD 0.00033; TOPMed 0.00042; gnomAD exomes 0.00070; ExAC 0.00109.
gnomAD v4.1: 1,035 of 1,598,196 alleles (0.065%); highest among the groups gnomAD compares: Non-Finnish European, 0.084%; no homozygotes.

Submission:

CeGaT Center for Human Genetics Tuebingen
Classification: Uncertain significance. Last evaluated: 2022-12-01. Review status: criteria provided, single submitter. Criteria: CeGaT Center For Human Genetics Tuebingen Variant Classification Criteria Version 2. Collection method: clinical testing. Allele origin: germline. Affected: yes. Observed: 1 variant allele.
Comment: CACNA1I: PP3